The following is an entry in ClinVar:

NM_177972.3(TUB):c.1086C>T (p.Thr362=)

Genes: RIC3 (RIC3 acetylcholine receptor chaperone; minus strand), TUB (TUB bipartite transcription factor; plus strand). Cytogenetic location: 11p15.4.
Variant type: single nucleotide variant.
Coding change: c.1086C>T on transcript NM_177972.3 (MANE Select); coding-DNA position 1086, C replaced by T.
Protein change: p.Thr362=; no amino-acid change (threonine 362 retained).
Molecular consequence: synonymous variant.
Genome position (GRCh38, 1-based): chr11:8,098,845, C>T. VCF-style: chr11-8098845-C-T. GRCh37 (hg19) VCF-style: chr11-8120392-C-T.
Other names: c.1251C>T, p.Thr417= (NM_003320.5).
Identifiers: ClinVar variation 3354711 (VCV003354711.1).

ClinVar aggregate classification (germline): Likely benign (0 of 4 stars; one submission).

Conditions:
TUB-related disorder. Also called: TUB-related condition.

Submission:

PreventionGenetics, part of Exact Sciences
Classification: Likely benign for TUB-related condition. Last evaluated: 2021-12-02. Review status: no assertion criteria provided. Collection method: clinical testing. Allele origin: germline.
Comment: This variant is classified as likely benign based on ACMG/AMP sequence variant interpretation guidelines (Richards et al. 2015 PMID: 25741868, with internal and published modifications).